The following is an entry in ClinVar:

NM_031308.4(EPPK1):c.2499G>A (p.Ala833=)

Gene: EPPK1 (epiplakin 1; minus strand). Cytogenetic location: 8q24.3.
Variant type: single nucleotide variant.
Coding change: c.2499G>A on transcript NM_031308.4 (MANE Select); coding-DNA position 2499, G replaced by A.
Protein change: p.Ala833=; no amino-acid change (alanine 833 retained).
Molecular consequence: synonymous variant.
Genome position (GRCh38, 1-based): chr8:143,870,755, C>T on the plus strand (G>A on the coding strand, the complement: EPPK1 is on the minus strand). VCF-style: chr8-143870755-C-T. GRCh37 (hg19) VCF-style: chr8-144944923-C-T.
Identifiers: ClinVar variation 3032742 (VCV003032742.2), dbSNP rs781794032, ClinGen allele CA4923040.
Genomic context (GRCh38, chr8:143,870,755, plus strand): 5'-GCGACGCAGCAGCTGCCTCCTGCGGCCCTCGCTGAAGTACTCAGAGTTGATCAGCTCCCA[C>T]GCGGAGACCCTCTGCCCCTGAAACCGTCCATACTTCACGGAGAGCAGCAGGTTCTGGAAG-3'
Protein context (NP_112598.3, residues 823-843): YGRFQGQRVS[Ala833=]WELINSEYFS

ClinVar aggregate classification (germline): Likely benign (0 of 4 stars; one submission).

Conditions:
EPPK1-related disorder. Also called: EPPK1-related condition.

Submission:

PreventionGenetics, part of Exact Sciences
Classification: Likely benign for EPPK1-related condition. Last evaluated: 2021-08-09. Review status: no assertion criteria provided. Collection method: clinical testing. Allele origin: germline.
Comment: This variant is classified as likely benign based on ACMG/AMP sequence variant interpretation guidelines (Richards et al. 2015 PMID: 25741868, with internal and published modifications).